The following is an entry in ClinVar:

ClinVar aggregate classification (germline): Uncertain significance (1 of 4 stars; one submission).

Conditions:
Charcot-Marie-Tooth disease type 2. Also called: Charcot-Marie-Tooth type 2. Identifiers: Orphanet 64746, MedGen C0270914, MONDO:0018993.

Allele frequency attached by ClinVar (database versions not stated): ExAC 0.00001; gnomAD exomes below 0.00001 and 0.00002.
gnomAD v4.1: 26 of 1,614,036 alleles (0.0016%); highest among the groups gnomAD compares: Non-Finnish European, 0.002%; no homozygotes.

Submission:

Labcorp Genetics (formerly Invitae), Labcorp
Classification: Uncertain significance for Charcot-Marie-Tooth disease type 2. Last evaluated: 2025-10-03. Review status: criteria provided, single submitter. Criteria: Invitae Variant Classification Sherloc (09022015). Collection method: clinical testing. Allele origin: germline.
Comment: This sequence change replaces alanine, which is neutral and non-polar, with proline, which is neutral and non-polar, at codon 360 of the AARS protein (p.Ala360Pro). This variant is present in population databases (rs761669458, gnomAD 0.0009%). This variant has not been reported in the literature in individuals affected with AARS-related conditions. ClinVar contains an entry for this variant (Variation ID: 476729). Invitae Evidence Modeling of protein sequence and biophysical properties (such as structural, functional, and spatial information, amino acid conservation, physicochemical variation, residue mobility, and thermodynamic stability) indicates that this missense variant is not expected to disrupt AARS protein function with a negative predictive value of 95%. In summary, the available evidence is currently insufficient to determine the role of this variant in disease. Therefore, it has been classified as a Variant of Uncertain Significance.

NM_001605.3(AARS1):c.1078G>C (p.Ala360Pro)

Gene: AARS1 (alanyl-tRNA synthetase 1; minus strand). Cytogenetic location: 16q22.1.
Variant type: single nucleotide variant.
Coding change: c.1078G>C on transcript NM_001605.3 (MANE Select); coding-DNA position 1078, G replaced by C.
Protein change: p.Ala360Pro; replaces alanine 360 with proline.
Molecular consequence: missense variant.
Genome position (GRCh38, 1-based): chr16:70,267,803, C>G on the plus strand (G>C on the coding strand, the complement: AARS1 is on the minus strand). VCF-style: chr16-70267803-C-G. GRCh37 (hg19) VCF-style: chr16-70301706-C-G.
Other names: short protein forms A360P.
Identifiers: ClinVar variation 476729 (VCV000476729.8), dbSNP rs761669458, ClinGen allele CA8140921.